The following is an entry in ClinVar:

ClinVar aggregate classification (germline): Likely pathogenic (1 of 4 stars; one submission).

Conditions:
Osteogenesis imperfecta type I (OI1). Also called: OI, TYPE I; OSTEOGENESIS IMPERFECTA TARDA; OSTEOGENESIS IMPERFECTA WITH BLUE SCLERAE; Lobstein's Disease; Classic Non-deforming Osteogenesis Imperfecta with Blue Sclerae; Lobstein disease. Identifiers: Orphanet 216796, Orphanet 666, MedGen C0023931, MONDO:0008146, OMIM 166200. Disease mechanism: loss of function.
Ehlers-Danlos syndrome, classic type, 1 (EDSCL1). Also called: Ehlers-Danlos Syndrome, Classic Type, COL5A1-Related; EDS I; Ehlers-Danlos syndrome, type 1; EHLERS-DANLOS SYNDROME, GRAVIS TYPE; EHLERS-DANLOS SYNDROME, SEVERE CLASSIC TYPE. Identifiers: MedGen C0268335, MONDO:0019567, OMIM 130000.

Submission:

Labcorp Genetics (formerly Invitae), Labcorp
Classification: Likely pathogenic for Osteogenesis imperfecta type I; Ehlers-Danlos syndrome, classic type, 1. Last evaluated: 2024-04-22. Review status: criteria provided, single submitter. Criteria: Invitae Variant Classification Sherloc (09022015). Collection method: clinical testing. Allele origin: germline.
Comment: This sequence change creates a premature translational stop signal (p.Glu1355*) in the COL1A2 gene. While this is not anticipated to result in nonsense mediated decay, it is expected to disrupt the last 12 amino acid(s) of the COL1A2 protein. This variant is not present in population databases (gnomAD no frequency). This premature translational stop signal has been observed in individual(s) with clinical features of autosomal dominant osteogenesis imperfecta (Invitae). ClinVar contains an entry for this variant (Variation ID: 580487). This variant disrupts a region of the COL1A2 protein in which other variant(s) (p.Gly1361Val) have been observed in individuals with COL1A2-related conditions (PMID: 27282461). This suggests that this is a clinically significant region of the protein, and that variants that disrupt it are likely to be disease-causing. In summary, the currently available evidence indicates that the variant is pathogenic, but additional data are needed to prove that conclusively. Therefore, this variant has been classified as Likely Pathogenic.

Literature cited by the submitters: PubMed 27282461.

NM_000089.4(COL1A2):c.4063G>T (p.Glu1355Ter)

Gene: COL1A2 (collagen type I alpha 2 chain; plus strand). Cytogenetic location: 7q21.3.
Variant type: single nucleotide variant.
Coding change: c.4063G>T on transcript NM_000089.4 (MANE Select); coding-DNA position 4063, G replaced by T.
Protein change: p.Glu1355Ter; replaces glutamic acid 1355 with a stop codon.
Molecular consequence: nonsense.
Genome position (GRCh38, 1-based): chr7:94,430,355, G>T. VCF-style: chr7-94430355-G-T. GRCh37 (hg19) VCF-style: chr7-94059667-G-T.
Other names: short protein forms E1355*.
Identifiers: ClinVar variation 580487 (VCV000580487.10), dbSNP rs760626067, ClinGen allele CA368227363.